The following is an entry in ClinVar:

NM_000257.4(MYH7):c.610C>T (p.Arg204Cys)

Gene: MYH7 (myosin heavy chain 7; minus strand). Cytogenetic location: 14q11.2.
Variant type: single nucleotide variant.
Coding change: c.610C>T on transcript NM_000257.4 (MANE Select); coding-DNA position 610, C replaced by T.
Protein change: p.Arg204Cys; replaces arginine 204 with cysteine.
Molecular consequence: missense variant.
Genome position (GRCh38, 1-based): chr14:23,431,790, G>A on the plus strand (C>T on the coding strand, the complement: MYH7 is on the minus strand). VCF-style: chr14-23431790-G-A. GRCh37 (hg19) VCF-style: chr14-23900999-G-A.
Other names: p.R204C:CGC>TGC; NM_000257.4(MYH7):c.610C>T; p.Arg204Cys; c.610C>T (LRG_384t1); short protein forms R204C.
Identifiers: ClinVar variation 181315 (VCV000181315.34), dbSNP rs397516259, ClinGen allele CA016540.

ClinVar aggregate classification (germline): Uncertain significance. Review status: reviewed by expert panel (3 of 4 stars). 11 submissions from 11 submitters: Uncertain significance (1). 10 of the submissions do not count toward it. Last evaluated 2021-04-21.

Conditions:
MYH7-related disorder. Also called: MYH7-related condition; MYH7-related disease; MYH7-related disorders.
Myopathy, myosin storage, autosomal recessive (CMYO7B). Also called: CONGENITAL MYOPATHY 7B, MYOSIN STORAGE, AUTOSOMAL RECESSIVE. Identifiers: Orphanet 636970, MedGen C1850709, MONDO:0009708, OMIM 255160.
Dilated cardiomyopathy 1S (CMD1S). Identifiers: Orphanet 154, Orphanet 54260, MedGen C1834481, MONDO:0013262, OMIM 613426.
Hypertrophic cardiomyopathy 1 (CMH1). Also called: MYH7-Related Familial Hypertrophic Cardiomyopathy; Familial hypertrophic cardiomyopathy 1. Identifiers: MedGen C3495498, MONDO:0008647, OMIM 192600.
MYH7-related skeletal myopathy. Also called: Myopathy, distal, 1; Laing distal myopathy; Laing early-onset distal myopathy; MYOPATHY, DISTAL, EARLY-ONSET, AUTOSOMAL DOMINANT; MYOPATHY, LATE DISTAL HEREDITARY. Identifiers: Orphanet 59135, MedGen C4552004, MONDO:0008050, OMIM 160500.
Myosin storage myopathy (CMYO7A). Also called: MYH7-related late-onset scapuloperoneal muscular dystrophy; Congenital myopathy 7A, myosin storage, autosomal dominant; MYOPATHY, HYALINE BODY, AUTOSOMAL DOMINANT; SCAPULOPERONEAL MUSCULAR DYSTROPHY; SCAPULOPERONEAL SYNDROME, MYOPATHIC TYPE; Scapuloperoneal myopathy, MYH7-related. Identifiers: Orphanet 437572, Orphanet 636965, MedGen C1842160, MONDO:0008409, OMIM 608358.
Congenital myopathy with fiber type disproportion. Also called: Congenital fiber-type disproportion myopathy; Congenital fiber-type disproportion. Identifiers: Orphanet 2020, MedGen C0546264, MONDO:0009711. Inheritance: all.
Cardiovascular phenotype. Identifiers: MedGen CN230736.
Cardiomyopathy (CMYO). Also called: Cardiomyopathies. Identifiers: Orphanet 167848, MedGen C0878544, MONDO:0004994, HP:0001638. Inheritance: Various modes of inheritance.
Hypertrophic cardiomyopathy. Also called: HYPERTROPHIC MYOCARDIOPATHY. Identifiers: Orphanet 217569, MedGen C0007194, MeSH D002312, MONDO:0005045, HP:0001639.

Allele frequency attached by ClinVar (database versions not stated): gnomAD 0.00001; gnomAD exomes 0.00001 and 0.00002; ExAC 0.00002; TOPMed 0.00002.
gnomAD v4.1: 14 of 1,614,106 alleles (0.00087%); highest among the groups gnomAD compares: East Asian, 0.0045%; no homozygotes.

Submissions 1 to 6 of 11:

ClinGen Cardiomyopathy Variant Curation Expert Panel
Classification: Uncertain significance for Hypertrophic cardiomyopathy. Last evaluated: 2021-04-21. Review status: reviewed by expert panel. Criteria: ClinGen CMP ACMG Specifications v1. Collection method: curation. Allele origin: germline. Inheritance: Autosomal dominant inheritance.
Comment: The NM_000257.4(MYH7):c.610C>T (p.Arg204Cys) variant has been reported in at least 3 individuals with HCM (PS4_Supporting; Homburger 2016 PMID:27247418; Walsh 2017 PMID:27532257; GeneDx pers. comm.; Invitae pers. comm.; OMGL pers. comm.) and in 1 infant with LVH/RVH and other complex heart disease (GeneDx pers. comm.). This variant was identified in 0.0026% (FAF 95% CI; 3/30616) South Asian chromosomes by gnomAD v2.1.1 (PM2). This variant lies in the head region of the protein (aa 181-937) and missense variants in this region are statistically more likely to be associated with HCM (PM1; Walsh 2017 PMID:27532257). Computational prediction tools and conservation analysis were mixed about the potential impact of this variant. In summary, due to insufficient evidence, this variant is classified as uncertain significance for hypertrophic cardiomyopathy in an autosomal dominant manner. MYH7-specific ACMG/AMP criteria applied (Kelly 2018 PMID:29300372): PS4_Supporting, PM2, PM1.

PreventionGenetics, part of Exact Sciences
Classification: Uncertain significance for MYH7-related condition. Last evaluated: 2026-06-30. Review status: criteria provided, single submitter. Criteria: ACMG Guidelines, 2015. Collection method: clinical testing. Allele origin: germline. Not counted in ClinVar's aggregate classification.
Comment: The MYH7 c.610C>T variant is predicted to result in the amino acid substitution p.Arg204Cys. This variant was reported in an individuals from hypertrophic cardiomyopathy cohorts (Supplementary table, Homburger et al. 2016. PubMed ID: 27247418; Table S1A, Walsh et al. 2016. PubMed ID: 27532257; Supplementary table IV, Bourfiss et al. 2022. PubMed ID: 36264615; Table S8, McGurk et al. 2023. PubMed ID: 37652022) and in the heterozygous state in an individual with myopathy (Table S6, Ganapathy et al. 2019. PubMed ID: 31069529). It has also been reported in an cohort of individuals with atrial fibrillation (eTable 2, Yoneda et al. 2021. PubMed ID: 34495297). However, it was also detected in three individuals from a control population (Table S6, Park et al. 2022. PubMed ID: 34542152). Alternate nucleotide changes at the same amino acid position (c.611G>A; p.Arg204His and c.611G>T; p.Arg204Leu) have been reported in individuals with HCM (Richard et al. 2003. PubMed ID: 12707239; Table S1B, Walsh et al. 2017. PubMed ID: 27532257; Table S2, Hathaway et al. 2021. PubMed ID: 33673806). The c.610C>T; pArg204Cys variant was classified as a variant of uncertain significance by the ClinGen Cardiomyopathy Variant Curation Expert Panel in 2021 (Variation ID: 181315). This is variant is reported in 0.0098% of alleles in individuals of South Asian descent in gnomAD. Although we suspect this variant may be pathogenic, at this time, the clinical significance of this variant is uncertain due to the absence of conclusive functional and genetic evidence.

Labcorp Genetics (formerly Invitae), Labcorp
Classification: Likely pathogenic for Hypertrophic cardiomyopathy. Last evaluated: 2025-11-27. Review status: criteria provided, single submitter. Criteria: Invitae Variant Classification Sherloc (09022015). Collection method: clinical testing. Allele origin: germline. Not counted in ClinVar's aggregate classification.
Comment: This sequence change replaces arginine, which is basic and polar, with cysteine, which is neutral and slightly polar, at codon 204 of the MYH7 protein (p.Arg204Cys). This variant is present in population databases (rs397516259, gnomAD 0.01%). This missense change has been observed in individual(s) with hypertrophic cardiomyopathy (PMID: 27247418, 27532257, 36264615, 37652022). ClinVar contains an entry for this variant (Variation ID: 181315). Invitae Evidence Modeling of protein sequence and biophysical properties (such as structural, functional, and spatial information, amino acid conservation, physicochemical variation, residue mobility, and thermodynamic stability) indicates that this missense variant is expected to disrupt MYH7 protein function with a positive predictive value of 95%. This variant disrupts the p.Arg204 amino acid residue in MYH7. Other variant(s) that disrupt this residue have been determined to be pathogenic (PMID: 12707239, 23816408, 24111713, 24865491, 27247418, 27532257, 27841901). This suggests that this residue is clinically significant, and that variants that disrupt this residue are likely to be disease-causing. In summary, the currently available evidence indicates that the variant is pathogenic, but additional data are needed to prove that conclusively. Therefore, this variant has been classified as Likely Pathogenic.

Color Diagnostics, LLC DBA Color Health
Classification: Uncertain significance for Cardiomyopathy. Last evaluated: 2025-09-11. Review status: criteria provided, single submitter. Criteria: ACMG Guidelines, 2015. Collection method: clinical testing. Allele origin: germline. Not counted in ClinVar's aggregate classification.
Comment: This missense variant replaces arginine with cysteine at codon 204 of the MYH7 protein. This variant is found within a highly conserved region of the myosin head domain. Missense variants in this region have been shown to be significantly overrepresented in individuals with hypertrophic cardiomyopathy (PMID: 27532257). Computational prediction suggests that this variant may have deleterious impact on protein structure and function. To our knowledge, functional studies have not been reported for this variant. This variant has been reported in at least one individual affected with hypertrophic cardiomyopathy (PMID: 27247418, 27532257, 33495597). This variant has been identified in 6/282876 chromosomes in the general population by the Genome Aggregation Database (gnomAD). A different variant occurring at the same codon, p.Arg204His, is known to be disease-causing (Clinvar variation ID: 43095), indicating functional and clinical importance of this position. The available evidence is insufficient to determine the role of this p.Arg204Cys variant in disease conclusively. Therefore, this variant is classified as a Variant of Uncertain Significance.

Human Genetics Bochum, Ruhr University Bochum
Classification: Likely pathogenic for Hypertrophic cardiomyopathy 1. Last evaluated: 2024-08-13. Review status: criteria provided, single submitter. Criteria: ACMG Guidelines, 2015. Collection method: clinical testing. Allele origin: germline. Affected: yes. Not counted in ClinVar's aggregate classification.
Comment: ACMG criteria used to clasify this variant: PM1, PS4_SUP, PM2_SUP, PM5_SUP, PP2, PP3

Blueprint Genetics
Classification: Uncertain significance. Last evaluated: 2024-03-01. Review status: criteria provided, single submitter. Criteria: ACMG Guidelines, 2015. Collection method: clinical testing. Allele origin: germline. Not counted in ClinVar's aggregate classification.